The following is an entry in ClinVar:

ClinVar aggregate classification (germline): Benign (1 of 4 stars; one submission).

Submission:

ISCA site 15
Classification: Benign. Last evaluated: 2011-08-12. Review status: criteria provided, single submitter. Criteria: Kaminsky et al. (Genet Med. 2011). Collection method: clinical testing. Allele origin: unknown. Affected: yes. Observed: 1 variant allele.
Comment: Copy number variation identified through the course of routine clinical cytogenomic testing in postnatal populations. Clinical assertions have been curated as described in Kaminsky et al. 2011.

GRCh38/hg38 10q26.3(chr10:133398406-133421339)x1

Genes: MTG1 (mitochondrial ribosome associated GTPase 1; plus strand), SPRN (shadow of prion protein; minus strand), LOC130005030 (ATAC-STARR-seq lymphoblastoid active region 4250; plus strand), LOC130005031 (ATAC-STARR-seq lymphoblastoid active region 4251; plus strand). Cytogenetic location: 10q26.3.
Variant type: copy number loss.
Change: copy number 1 (one copy instead of two) of chr10:133,398,406-133,421,339 (22.9 kb, GRCh38 coordinates, 1-based), cytogenetic band 10q26.3.
Identifiers: ClinVar variation 59812 (VCV000059812.1).